The following is an entry in ClinVar:

ClinVar aggregate classification (germline): Uncertain significance (1 of 4 stars; one submission).

Allele frequency attached by ClinVar (database versions not stated): gnomAD 0.00002; TOPMed 0.00002.
gnomAD v4.1: 4 of 1,597,258 alleles (0.00025%); highest among the groups gnomAD compares: African/African-American, 0.0054%; no homozygotes.

Submission:

Labcorp Genetics (formerly Invitae), Labcorp
Classification: Uncertain significance. Last evaluated: 2022-11-22. Review status: criteria provided, single submitter. Criteria: Invitae Variant Classification Sherloc (09022015). Collection method: clinical testing. Allele origin: germline.
Comment: This sequence change creates a premature translational stop signal (p.Tyr110*) in the TNNI3K gene. It is expected to result in an absent or disrupted protein product. However, the current clinical and genetic evidence is not sufficient to establish whether loss-of-function variants in TNNI3K cause disease. This variant is present in population databases (no rsID available, gnomAD 0.008%). This variant has not been reported in the literature in individuals affected with TNNI3K-related conditions. In summary, the available evidence is currently insufficient to determine the role of this variant in disease. Therefore, it has been classified as a Variant of Uncertain Significance.

NM_015978.3(TNNI3K):c.330C>G (p.Tyr110Ter)

Genes: FPGT-TNNI3K (FPGT-TNNI3K readthrough; plus strand), TNNI3K (TNNI3 interacting kinase; plus strand). Cytogenetic location: 1p31.1.
Variant type: single nucleotide variant.
Coding change: c.330C>G on transcript NM_015978.3 (MANE Select); coding-DNA position 330, C replaced by G.
Protein change: p.Tyr110Ter; replaces tyrosine 110 with a stop codon.
Molecular consequence: nonsense.
Genome position (GRCh38, 1-based): chr1:74,250,766, C>G. VCF-style: chr1-74250766-C-G. GRCh37 (hg19) VCF-style: chr1-74716450-C-G.
Other names: c.633C>G, p.Tyr211Ter (NM_001112808.3, NM_001199327.2); short protein forms Y211*, Y110*.
Identifiers: ClinVar variation 2024388 (VCV002024388.4), dbSNP rs1007039876, ClinGen allele CA24545496.
Genomic context (GRCh38, chr1:74,250,766, plus strand): 5'-AGGGCTCCGCCCATCTCGACTGACAAGAAATGGATTTACAGCCTTGCATTTAGCAGTTTA[C>G]AAGGTAGGACACTTTAATTCCCATAAACACTGCATTGGAACTAAGGATAGTGTGTATCTT-3'